The following is an entry in ClinVar:

NM_000254.3(MTR):c.617del (p.Leu206fs)

Gene: MTR (5-methyltetrahydrofolate-homocysteine methyltransferase; plus strand). Cytogenetic location: 1q43.
Variant type: Deletion.
Coding change: c.617del on transcript NM_000254.3 (MANE Select); coding-DNA position 617, one base deleted (T; older notation c.617delT).
Protein change: p.Leu206fs; shifts the reading frame from leucine 206.
Molecular consequence: frameshift variant. On other transcripts: 5 prime UTR variant (1).
Genome position (GRCh38, 1-based): chr1:236,815,611, T deleted; the last of 2 consecutive T bases (chr1:236,815,610-236,815,611); deleting either gives the same sequence. VCF-style (leftmost placement, unchanged base first): chr1-236815609-CT-C. GRCh37 (hg19) VCF-style: chr1-236978909-CT-C.
Other names: c.617del, p.Leu206fs (NM_001291939.1, NM_001410942.1); c.-492del (NM_001291940.2); short protein forms L206fs.
Identifiers: ClinVar variation 2898714 (VCV002898714.2), dbSNP rs768968736, ClinGen allele CA1473800.

ClinVar aggregate classification (germline): Pathogenic (1 of 4 stars; one submission).

Conditions:
Methylcobalamin deficiency type cblG (HMAG). Also called: HOMOCYSTINURIA-MEGALOBLASTIC ANEMIA, cblG TYPE; HOMOCYSTINURIA-MEGALOBLASTIC ANEMIA DUE TO DEFECT IN COBALAMIN METABOLISM, cblG COMPLEMENTATION TYPE; HOMOCYSTINURIA-MEGALOBLASTIC ANEMIA, cblG COMPLEMENTATION TYPE; Functional methionine synthase deficiency type cblG. Identifiers: Orphanet 2170, Orphanet 622, MedGen C1855128, MONDO:0009609, OMIM 250940.

Submission:

Labcorp Genetics (formerly Invitae), Labcorp
Classification: Pathogenic for Methylcobalamin deficiency type cblG. Last evaluated: 2024-08-28. Review status: criteria provided, single submitter. Criteria: Invitae Variant Classification Sherloc (09022015). Collection method: clinical testing. Allele origin: germline.
Comment: This sequence change creates a premature translational stop signal (p.Leu206Cysfs*53) in the MTR gene. It is expected to result in an absent or disrupted protein product. Loss-of-function variants in MTR are known to be pathogenic (PMID: 9683607, 12068375). This variant is present in population databases (rs768968736, gnomAD 0.01%). This variant has not been reported in the literature in individuals affected with MTR-related conditions. For these reasons, this variant has been classified as Pathogenic.

Literature cited by the submitters: PubMed 9683607; PubMed 12068375.